The following is an entry in ClinVar:

NM_000069.3(CACNA1S):c.2476T>A (p.Ser826Thr)

Gene: CACNA1S (calcium voltage-gated channel subunit alpha1 S; minus strand). Cytogenetic location: 1q32.1.
Variant type: single nucleotide variant.
Coding change: c.2476T>A on transcript NM_000069.3 (MANE Select); coding-DNA position 2476, T replaced by A.
Protein change: p.Ser826Thr; replaces serine 826 with threonine.
Molecular consequence: missense variant.
Genome position (GRCh38, 1-based): chr1:201,069,486, A>T on the plus strand (T>A on the coding strand, the complement: CACNA1S is on the minus strand). VCF-style: chr1-201069486-A-T. GRCh37 (hg19) VCF-style: chr1-201038614-A-T.
Other names: short protein forms S826T.
Identifiers: ClinVar variation 582450 (VCV000582450.9), dbSNP rs1558067487, ClinGen allele CA344106560.
Genomic context (GRCh38, chr1:201,069,486, plus strand): 5'-GGAGGGGGCAGGGGTGCTGAGTGGCAGAGAGGGTGAAGCCCGTCACCTGATTTCTCATGG[A>T]ATCAGCCCGGATGGGGTCTTCCGCAGCCAGTGCAGCGCTGCTGAGCAGGATGAAGAGCAG-3'
Protein context (NP_000060.2, residues 816-836): LAAEDPIRAD[Ser826Thr]MRNQILKHFD

ClinVar aggregate classification (germline): Uncertain significance (1 of 4 stars; one submission).

Conditions:
Hypokalemic periodic paralysis, type 1. Also called: HypoPP; Hypokalemic Periodic Paralysis Type 1 (AD). Identifiers: Orphanet 681, MedGen C3714580, MONDO:0042979, OMIM 170400.
Malignant hyperthermia, susceptibility to, 5 (MHS5). Also called: CACNA1S-Related Malignant Hyperthermia Susceptibility. Identifiers: Orphanet 423, MedGen C1866077, MONDO:0011163, OMIM 601887.

Allele frequency attached by ClinVar (database versions not stated): gnomAD exomes below 0.00001.

Submission:

Labcorp Genetics (formerly Invitae), Labcorp
Classification: Uncertain significance for Hypokalemic periodic paralysis, type 1; Malignant hyperthermia, susceptibility to, 5. Last evaluated: 2018-04-23. Review status: criteria provided, single submitter. Criteria: Invitae Variant Classification Sherloc (09022015). Collection method: clinical testing. Allele origin: germline.
Comment: In summary, the available evidence is currently insufficient to determine the role of this variant in disease. Therefore, it has been classified as a Variant of Uncertain Significance. This sequence change replaces serine with threonine at codon 826 of the CACNA1S protein (p.Ser826Thr). The serine residue is highly conserved and there is a small physicochemical difference between serine and threonine. This variant is not present in population databases (ExAC no frequency). This variant has not been reported in the literature in individuals with CACNA1S-related disease. Algorithms developed to predict the effect of missense changes on protein structure and function do not agree on the potential impact of this missense change (SIFT: "Deleterious"; PolyPhen-2: "Possibly Damaging"; Align-GVGD: "Class C0").